The following is an entry in ClinVar:

NM_014000.3(VCL):c.622+158G>A

Gene: VCL (vinculin; plus strand). Cytogenetic location: 10q22.2.
Variant type: single nucleotide variant.
Coding change: c.622+158G>A on transcript NM_014000.3 (MANE Select); 158 bases into the intron after coding-DNA position 622, G replaced by A.
Molecular consequence: intron variant.
Genome position (GRCh38, 1-based): chr10:74,073,010, G>A. VCF-style: chr10-74073010-G-A. GRCh37 (hg19) VCF-style: chr10-75832768-G-A.
Other names: c.622+158G>A (NM_003373.4).
Identifiers: ClinVar variation 671212 (VCV000671212.1), dbSNP rs71524373, ClinGen allele CA209693319.
Genomic context (GRCh38, chr10:74,073,010, plus strand): 5'-TTTTTTTTTTGAGATGAAGTCTCACTCTGTTGCCAGGCTGGAGTGCAGTGGTGCGATCTC[G>A]GCTCACTGCAACCTCTGCCTCCTGGGTTCAAGCGATTCTCCTGCCTCAGCCTTCTGAGTA-3'

ClinVar aggregate classification (germline): Benign (1 of 4 stars; one submission).

Allele frequency attached by ClinVar (database versions not stated): gnomAD 0.06299 and 0.06722; TOPMed 0.07072; 1000 Genomes Project 0.07288; 1000 Genomes Project 30x 0.07808.
gnomAD v4.1: 9,356 of 150,182 alleles (6.2%); highest among the groups gnomAD compares: African/African-American, 22%; 1,006 homozygotes.

Submission:

GeneDx
Classification: Benign. Last evaluated: 2018-06-19. Review status: criteria provided, single submitter. Criteria: GeneDx Variant Classification (06012015). Collection method: clinical testing. Allele origin: germline. Affected: yes.
Comment: This variant is considered likely benign or benign based on one or more of the following criteria: it is a conservative change, it occurs at a poorly conserved position in the protein, it is predicted to be benign by multiple in silico algorithms, and/or has population frequency not consistent with disease.